The following is an entry in ClinVar:

ClinVar aggregate classification (germline): Uncertain significance (1 of 4 stars; one submission).

Submission:

Labcorp Genetics (formerly Invitae), Labcorp
Classification: Uncertain significance. Last evaluated: 2024-07-08. Review status: criteria provided, single submitter. Criteria: Invitae Variant Classification Sherloc (09022015). Collection method: clinical testing. Allele origin: germline.
Comment: This sequence change affects the initiator methionine of the CLUAP1 mRNA. The next in-frame methionine is located at codon 12. The frequency data for this variant in the population databases is considered unreliable, as metrics indicate poor data quality at this position in the gnomAD database. This variant has not been reported in the literature in individuals affected with CLUAP1-related conditions. ClinVar contains an entry for this variant (Variation ID: 2168508). Experimental studies and prediction algorithms are not available or were not evaluated, and the functional significance of this variant is currently unknown. In summary, the available evidence is currently insufficient to determine the role of this variant in disease. Therefore, it has been classified as a Variant of Uncertain Significance.

NM_015041.3(CLUAP1):c.2T>C (p.Met1Thr)

Genes: CLUAP1 (clusterin associated protein 1; plus strand), LOC130058340 (ATAC-STARR-seq lymphoblastoid active region 10324; plus strand). Cytogenetic location: 16p13.3.
Variant type: single nucleotide variant.
Coding change: c.2T>C on transcript NM_015041.3 (MANE Select); coding-DNA position 2, T replaced by C.
Protein change: p.Met1Thr; changes the start codon (methionine 1).
Molecular consequence: missense variant, initiator codon variant.
Genome position (GRCh38, 1-based): chr16:3,501,069, T>C. VCF-style: chr16-3501069-T-C. GRCh37 (hg19) VCF-style: chr16-3551069-T-C.
Other names: c.2T>C, p.Met1Thr (NM_001330454.2); short protein forms M1T.
Identifiers: ClinVar variation 2168508 (VCV002168508.5), dbSNP rs1381542015, ClinGen allele CA394510445.